The following is an entry in ClinVar:

NM_001378454.1(ALMS1):c.4238G>T (p.Gly1413Val)

Gene: ALMS1 (ALMS1 centrosome and basal body associated protein; plus strand). Cytogenetic location: 2p13.1.
Variant type: single nucleotide variant.
Coding change: c.4238G>T on transcript NM_001378454.1 (MANE Select); coding-DNA position 4238, G replaced by T.
Protein change: p.Gly1413Val; replaces glycine 1413 with valine.
Molecular consequence: missense variant.
Genome position (GRCh38, 1-based): chr2:73,450,765, G>T. VCF-style: chr2-73450765-G-T. GRCh37 (hg19) VCF-style: chr2-73677892-G-T.
Other names: c.4241G>T, p.Gly1414Val (NM_015120.4); short protein forms G1413V, G1414V.
Identifiers: ClinVar variation 5000391 (VCV005000391.1).
Genomic context (GRCh38, chr2:73,450,765, plus strand): 5'-AACAGTCGTTGCCAGGTAGTCATCTAACTGAAGAGGCTAAGAACGTTTCAGCGGTTCCTG[G>T]ACCAGGTGACCGGAAGACTGGGATACCAACTTTACCCTCTACTTTCTACTCACACACAGA-3'
Protein context (NP_001365383.1, residues 1403-1423): EEAKNVSAVP[Gly1413Val]PGDRKTGIPT

ClinVar aggregate classification (germline): Uncertain significance (1 of 4 stars; one submission).

Conditions:
ALMS1-related disorder. Also called: ALMS1-related condition.

Submission:

PreventionGenetics, part of Exact Sciences
Classification: Uncertain significance for ALMS1-related condition. Last evaluated: 2025-05-29. Review status: criteria provided, single submitter. Criteria: ACMG Guidelines, 2015. Collection method: clinical testing. Allele origin: germline.
Comment: The ALMS1 c.4241G>T variant is predicted to result in the amino acid substitution p.Gly1414Val. To our knowledge, this variant has not been reported in the literature or in a large population database (gnomAD), indicating this variant is rare. At this time, the clinical significance of this variant is uncertain due to the absence of conclusive functional and genetic evidence.